The following is an entry in ClinVar:

NM_000516.7(GNAS):c.825C>T (p.Ser275=)

Gene: GNAS (GNAS complex locus; plus strand). Cytogenetic location: 20q13.32.
Variant type: single nucleotide variant.
Coding change: c.825C>T on transcript NM_000516.7 (MANE Select); coding-DNA position 825, C replaced by T.
Protein change: p.Ser275=; no amino-acid change (serine 275 retained).
Molecular consequence: synonymous variant. On other transcripts: 3 prime UTR variant (2).
Genome position (GRCh38, 1-based): chr20:58,909,790, C>T. VCF-style: chr20-58909790-C-T. GRCh37 (hg19) VCF-style: chr20-57484845-C-T.
Other names: c.828C>T, p.Ser276= (NM_001077488.5); c.780C>T, p.Ser260= (NM_001077489.4); c.*686C>T (NM_001077490.3); c.648C>T, p.Ser216= (NM_001309840.2, NM_001309861.2); c.729C>T, p.Ser243= (NM_001410912.1); c.2709C>T, p.Ser903= (NM_001410913.1); c.*731C>T (NM_016592.5); c.2754C>T, p.Ser918= (NM_080425.4); and 1 more.
Identifiers: ClinVar variation 3353767 (VCV003353767.1).

ClinVar aggregate classification (germline): Likely benign (0 of 4 stars; one submission).

Conditions:
GNAS-related disorder. Identifiers: MedGen CN380105.

Submission:

PreventionGenetics, part of Exact Sciences
Classification: Likely benign for GNAS-related condition. Last evaluated: 2022-06-09. Review status: no assertion criteria provided. Collection method: clinical testing. Allele origin: germline.
Comment: This variant is classified as likely benign based on ACMG/AMP sequence variant interpretation guidelines (Richards et al. 2015 PMID: 25741868, with internal and published modifications).